The following is an entry in ClinVar:

NM_001166108.2(PALLD):c.946G>T (p.Asp316Tyr)

Gene: PALLD (palladin, cytoskeletal associated protein; plus strand). Cytogenetic location: 4q32.3.
Variant type: single nucleotide variant.
Coding change: c.946G>T on transcript NM_001166108.2 (MANE Select); coding-DNA position 946, G replaced by T.
Protein change: p.Asp316Tyr; replaces aspartic acid 316 with tyrosine.
Molecular consequence: missense variant. On other transcripts: 5 prime UTR variant (1).
Genome position (GRCh38, 1-based): chr4:168,668,227, G>T. VCF-style: chr4-168668227-G-T. GRCh37 (hg19) VCF-style: chr4-169589378-G-T.
Other names: c.-201G>T (NM_001166109.2); c.946G>T, p.Asp316Tyr (NM_016081.4); short protein forms D316Y.
Identifiers: ClinVar variation 902101 (VCV000902101.6), dbSNP rs1477916241, ClinGen allele CA358793658.

ClinVar aggregate classification (germline): Uncertain significance. Review status: criteria provided, multiple submitters, no conflicts (2 of 4 stars). 2 submissions from 2 submitters: Uncertain significance (2). Last evaluated 2023-11-09.

Conditions:
Pancreatic cancer, susceptibility to, 1. Identifiers: Orphanet 1333, MedGen C1847351, MONDO:0011739, OMIM 606856.

Allele frequency attached by ClinVar (database versions not stated): TOPMed 0.00001.

Submissions (2):

Ambry Genetics
Classification: Uncertain significance. Last evaluated: 2023-11-09. Review status: criteria provided, single submitter. Criteria: Ambry Variant Classification Scheme 2023. Collection method: clinical testing. Allele origin: germline.
Comment: The p.D316Y variant (also known as c.946G>T), located in coding exon 2 of the PALLD gene, results from a G to T substitution at nucleotide position 946. The aspartic acid at codon 316 is replaced by tyrosine, an amino acid with highly dissimilar properties. This amino acid position is conserved. In addition, this alteration is predicted to be deleterious by in silico analysis. Since supporting evidence is limited at this time, the clinical significance of this alteration remains unclear.

Illumina Laboratory Services, Illumina
Classification: Uncertain significance for Pancreatic cancer, susceptibility to, 1. Last evaluated: 2018-01-12. Review status: criteria provided, single submitter. Criteria: ICSL Variant Classification Criteria 13 December 2019. Collection method: clinical testing. Allele origin: germline.